The following is an entry in ClinVar:

ClinVar aggregate classification (germline): not provided (0 of 4 stars; one submission).

Conditions:
Beckwith-Wiedemann syndrome (BWS). Also called: EMG SYNDROME; Exomphalos macroglossia gigantism syndrome. Identifiers: Orphanet 116, MedGen C0004903, MONDO:0007534, OMIM 130650.

Submission:

UMR_S938_Pr. Le Bouc INSERM
No classification provided. Condition: Beckwith-Wiedemann syndrome. Review status: no classification provided. Collection method: not provided. Allele origin: germline.

NC_000011.10:g.2000708T>A

Genes: H19 (H19 imprinted maternally expressed transcript; minus strand), H19-ICR (H19/IGF2 imprinting control region; plus strand), MRPL23 (mitochondrial ribosomal protein L23; plus strand). Cytogenetic location: 11p15.5.
Variant type: single nucleotide variant.
Genome position: GRCh38 VCF-style: chr11-2000708-T-A. GRCh37 (hg19) VCF-style: chr11-2021938-T-A.
Identifiers: ClinVar variation 96745 (VCV000096745.2), dbSNP rs431825166, ClinGen allele CA269952.